The following is an entry in ClinVar:

ClinVar aggregate classification (germline): Pathogenic (1 of 4 stars; one submission).

Submission:

Labcorp Genetics (formerly Invitae), Labcorp
Classification: Pathogenic. Last evaluated: 2023-03-26. Review status: criteria provided, single submitter. Criteria: Invitae Variant Classification Sherloc (09022015). Collection method: clinical testing. Allele origin: germline.
Comment: This variant has not been reported in the literature in individuals affected with LAMA3-related conditions. For these reasons, this variant has been classified as Pathogenic. This variant disrupts a region of the LAMA3 protein in which other variant(s) (p.Ser1689*) have been determined to be pathogenic (PMID: 29797489). This suggests that this is a clinically significant region of the protein, and that variants that disrupt it are likely to be disease-causing. This variant is not present in population databases (gnomAD no frequency). This sequence change creates a premature translational stop signal (p.Gln1667*) in the LAMA3 gene. While this is not anticipated to result in nonsense mediated decay, it is expected to disrupt the last 58 amino acid(s) of the LAMA3 protein.

Literature cited by the submitters: PubMed 29797489.

NM_198129.4(LAMA3):c.9826C>T (p.Gln3276Ter)

Gene: LAMA3 (laminin subunit alpha 3; plus strand). Cytogenetic location: 18q11.2.
Variant type: single nucleotide variant.
Coding change: c.9826C>T on transcript NM_198129.4 (MANE Select); coding-DNA position 9826, C replaced by T.
Protein change: p.Gln3276Ter; replaces glutamine 3276 with a stop codon.
Molecular consequence: nonsense.
Genome position (GRCh38, 1-based): chr18:23,953,079, C>T. VCF-style: chr18-23953079-C-T. GRCh37 (hg19) VCF-style: chr18-21533043-C-T.
Other names: c.4999C>T, p.Gln1667Ter (NM_000227.6); c.9658C>T, p.Gln3220Ter (NM_001127717.4); c.4831C>T, p.Gln1611Ter (NM_001127718.4); short protein forms Q3220*, Q3276*, Q1667*, Q1611*.
Identifiers: ClinVar variation 2846789 (VCV002846789.3), dbSNP rs2082976497, ClinGen allele CA402053811.